The following is an entry in ClinVar:

NM_001165963.4(SCN1A):c.2533G>A (p.Val845Ile)

Gene: SCN1A (sodium voltage-gated channel alpha subunit 1; minus strand). Cytogenetic location: 2q24.3.
Variant type: single nucleotide variant.
Coding change: c.2533G>A on transcript NM_001165963.4 (MANE Select); coding-DNA position 2533, G replaced by A.
Protein change: p.Val845Ile; replaces valine 845 with isoleucine.
Molecular consequence: missense variant. On other transcripts: non-coding transcript variant (1).
Genome position (GRCh38, 1-based): chr2:166,039,479, C>T on the plus strand (G>A on the coding strand, the complement: SCN1A is on the minus strand). VCF-style: chr2-166039479-C-T. GRCh37 (hg19) VCF-style: chr2-166895989-C-T.
Other names: c.2449G>A, p.Val817Ile (NM_001165964.3, NM_001353957.2, NM_001353958.2); c.2533G>A, p.Val845Ile (NM_001202435.3, NM_001353948.2); c.2500G>A, p.Val834Ile (NM_001353949.2, NM_001353950.2, NM_001353951.2 and 2 more transcripts); c.2497G>A, p.Val833Ile (NM_001353954.2, NM_001353955.2); c.2446G>A, p.Val816Ile (NM_001353960.2); c.91G>A, p.Val31Ile (NM_001353961.2); short protein forms V31I, V816I, V817I, V833I, V834I, V845I.
Identifiers: ClinVar variation 3365345 (VCV003365345.2).

ClinVar aggregate classification (germline): Uncertain significance (1 of 4 stars; one submission).

Submission:

GeneDx
Classification: Uncertain significance. Last evaluated: 2026-02-19. Review status: criteria provided, single submitter. Criteria: GeneDx Variant Classification Process June 2021. Collection method: clinical testing. Allele origin: germline.
Comment: Not observed at significant frequency in large population cohorts (gnomAD); In silico analysis suggests that this missense variant does not alter protein structure/function; Has not been previously published as pathogenic or benign to our knowledge; This substitution is predicted to be within the transmembrane segment S3 of the second homologous domain